The following is an entry in ClinVar:

ClinVar aggregate classification (germline): Conflicting classifications of pathogenicity. Review status: criteria provided, conflicting classifications (1 of 4 stars). 11 submissions from 11 submitters: Pathogenic (5); Likely pathogenic (4); Uncertain significance (1). 1 of the submissions does not count toward it. Last evaluated 2026-05-12.

Conditions:
Hematuria, benign familial, 1 (BFH1). Also called: THIN MEMBRANE NEPHROPATHY. Identifiers: MedGen CN376803, MONDO:0007709, OMIM 141200.
Hematuria. Identifiers: MedGen C0018965, HP:0000790.
COL4A4-related disorder.
Alport syndrome. Also called: Hemorrhagic familial nephritis; Hemorrhagic hereditary nephritis; Congenital hereditary hematuria. Identifiers: Orphanet 63, MedGen C1567741, MONDO:0018965.
Autosomal recessive Alport syndrome (ATS2). Also called: ALPORT SYNDROME 2, AUTOSOMAL RECESSIVE; COL4A4 Alport Syndrome and Thin Basement Membrane Nephropathy; COL4A3-Related Nephropathy; Alport syndrome type 2. Identifiers: Orphanet 63, Orphanet 88919, MedGen C4746745, MONDO:0008762, OMIM 203780.

Allele frequency attached by ClinVar (database versions not stated): gnomAD 0.00001; TOPMed 0.00001; gnomAD exomes 0.00002; ExAC 0.00004.
gnomAD v4.1: 30 of 1,613,970 alleles (0.0019%); highest among the groups gnomAD compares: East Asian, 0.016%; no homozygotes.

Submissions (11):

Centre de Génétique Humaine, Institut de Pathologie Et de Génétique
Classification: Likely pathogenic for Hematuria, benign familial, 1. Last evaluated: 2026-05-12. Review status: criteria provided, single submitter. Criteria: ACMG Guidelines, 2015. Collection method: clinical testing. Allele origin: germline. Inheritance: Autosomal dominant inheritance. Affected: yes. Observed: 1 variant allele, 1 heterozygote. Segregation with disease not observed.
Comment: This missense variant involves a highly conserved glycine located in a ‘Gly-X-Y’ motif in collagenous region, which is characteristic of the pathogenic variants identified in the COL4A4 gene (PM1,PP2). This variant is rare: allelic frequency of 0.0018% in gnomAD v4.1.0 database (PM2). Another missense variant affecting the same residue described asLP c.3308G>C, p.(Gly1103Ala), PMID: 40044766 . (PM5). In silico analysis supports that this missense variant has a deleterious effect (PP3). Described as LP/P in patients with AR/AD AS, (PP5)

Women's Health and Genetics/Laboratory Corporation of America, LabCorp
Classification: Pathogenic for Autosomal recessive Alport syndrome. Last evaluated: 2026-05-01. Review status: criteria provided, single submitter. Criteria: LabCorp Variant Classification Summary - May 2015. Collection method: clinical testing. Allele origin: germline.
Comment: Variant summary: COL4A4 c.3307G>A (p.Gly1103Arg) results in a non-conservative amino acid change located in the Collagen triple helix repeat of the encoded protein sequence. Algorithms developed to predict the effect of missense changes on protein structure and function all suggest that this variant is likely to be disruptive. The variant allele was found at a frequency of 2e-05 in 249156 control chromosomes. c.3307G>A has been observed in a compound heterozygous or homozygous state in at-least 4 individuals affected with Alport Syndrome, Autosomal Recessive (examples,Oka_2014, Nishizawa_2015, Horinouchi_2020). These data indicate that the variant is very likely to be associated with disease. To our knowledge, no experimental evidence demonstrating an impact on protein function has been reported. The following publications have been ascertained in the context of this evaluation (PMID: 26628290, 24633401, 35369551). ClinVar contains an entry for this variant (Variation ID: 551160). Based on the evidence outlined above, the variant was classified as pathogenic for AD Benign Familial Hematuria and AR Alport Syndrome.

3billion
Classification: Pathogenic for Autosomal recessive Alport syndrome. Last evaluated: 2026-01-11. Review status: criteria provided, single submitter. Criteria: ACMG Guidelines, 2015. Collection method: clinical testing. Allele origin: germline. Affected: yes.
Comment: The variant is observed at an extremely low frequency in the gnomAD v4.1.0 dataset (total allele frequency: 0.002%). Predicted Consequence/Location: The variant is located in a mutational hot spot and/or well-established functional domain in which established pathogenic variants have been reported (PMID: 30311386). In silico tool predictions suggest damaging effect of the variant on gene or gene product [REVEL: 0.98 (>=0.6, sensitivity 0.68 and specificity 0.92)]. The same nucleotide change resulting in the same amino acid change has been previously reported as pathogenic/likely pathogenic with strong evidence (ClinVar ID: VCV000551160 /PMID: 24633401 /3billion dataset). The variant has been reported to be in trans with a pathogenic variant as either compound heterozygous or homozygous in at least one similarly affected unrelated individual (PMID: 24633401, 26628290). A different missense change at the same codon (p.Gly1103Ala) has been reported to be associated with COL4A4-related disorder (ClinVar ID: VCV002784265 /PMID: 40044766). Therefore, this variant is classified as Pathogenic according to the recommendation of ACMG/AMP guideline.

PreventionGenetics, part of Exact Sciences
Classification: Pathogenic for COL4A4-related condition. Last evaluated: 2025-12-26. Review status: criteria provided, single submitter. Criteria: ACMG Guidelines, 2015. Collection method: clinical testing. Allele origin: germline.
Comment: The COL4A4 c.3307G>A variant is predicted to result in the amino acid substitution p.Gly1103Arg. This variant affects a glycine (Gly) residue of the conserved triple helical domain (residues 65-1459) of the COL4A4 protein, where substitutions of the glycine (Gly) residue are usually pathogenic (Hudson et al. 1993. PubMed ID: 8253711). This variant was reported in the compound heterozygous or homozygous states in several individuals with Alport syndrome (Table 3, Oka et al. 2014. PubMed ID: 24633401; Table S1, Horinouchi et al. 2020. PubMed ID: 35369551; reported as c.3307G>A, p.G1102R at Nishizawa et al. 2015. PubMed ID: 26628290). In addition, at other glycine (Gly) residues within this domain, substitutions of a glycine (Gly) with an arginine (Arg) have been widely reported to be pathogenic for autosomal dominant or recessive COL4A4 nephropathy (see for example, autosomal dominant cases: p.Gly466Arg in Weber et al. 2016. PubMed ID: 26809805 and p.Gly651Arg in Gao et al. 2022. PubMed ID: 36685964; autosomal recessive cases: p.Gly170Arg in Supplementary Table 1, Morinière et al. 2014. PubMed ID: 24854265 and p.Gly864Arg in Storey et al. 2013. PubMed ID: 24052634). This variant is reported in 0.0044% of alleles in individuals of European (Non-Finnish) descent in gnomAD. This variant is interpreted as pathogenic for both autosomal dominant and recessive COL4A4-related Alport syndrome spectrum disorders.

Genetics Laboratory, Great Ormond Street Hospital NHS Foundation Trust, North Thames Genomic Laboratory Hub
Classification: Likely pathogenic for Haematuria. Last evaluated: 2025-10-09. Review status: criteria provided, single submitter. Criteria: ACGS Best Practice Guidelines for Variant Classification in Rare Disease 2024 v1.2. Collection method: clinical testing. Allele origin: germline. Affected: yes.
Comment: PM2_moderate, PP3_supporting, PM1_strong, PP4_supporting

Natera, Inc.
Classification: Pathogenic for Alport syndrome. Last evaluated: 2025-09-04. Review status: criteria provided, single submitter. Criteria: Natera Variant Classification Schema (03/2026). Collection method: clinical testing. Allele origin: germline.
Comment: The c.3307G>A variant in COL4A4 is a missense variant predicted to cause substitution of glycine to arginine at amino acid 1103. This variant is rare in the general population with a frequency below the threshold expected for the associated phenotype(s). This variant has been observed in one or more individuals affected with the associated recessive disease, as either homozygous or compound heterozygous with a second variant (PMID: 35419377, 40004525, 35369551). This variant is located in a functionally critical region of the protein. Computational prediction algorithms indicate this variant is likely to affect gene or protein function. Given the available evidence, this variant is classified as Pathogenic.

Labcorp Genetics (formerly Invitae), Labcorp
Classification: Pathogenic. Last evaluated: 2024-05-08. Review status: criteria provided, single submitter. Criteria: Invitae Variant Classification Sherloc (09022015). Collection method: clinical testing. Allele origin: germline.
Comment: This sequence change replaces glycine, which is neutral and non-polar, with arginine, which is basic and polar, at codon 1103 of the COL4A4 protein (p.Gly1103Arg). This variant is present in population databases (rs749299357, gnomAD 0.004%). This missense change has been observed in individuals with autosomal recessive Alport syndrome (PMID: 24633401, 26628290, 35369551). ClinVar contains an entry for this variant (Variation ID: 551160). Advanced modeling of protein sequence and biophysical properties (such as structural, functional, and spatial information, amino acid conservation, physicochemical variation, residue mobility, and thermodynamic stability) performed at Invitae indicates that this missense variant is expected to disrupt COL4A4 protein function with a positive predictive value of 95%. For these reasons, this variant has been classified as Pathogenic.

GeneDx
Classification: Uncertain significance. Last evaluated: 2023-02-28. Review status: criteria provided, single submitter. Criteria: GeneDx Variant Classification Process June 2021. Collection method: clinical testing. Allele origin: germline. Affected: yes.
Comment: In silico analysis supports that this missense variant has a deleterious effect on protein structure/function; Affects a glycine residue in a Gly-X-Y motif in the triple helical region of the COL4A4 gene; This variant is associated with the following publications: (PMID: 26628290, 35369551, 35419377, 24633401)

Blueprint Genetics
Classification: Likely pathogenic for COL4A4-related disorders. Last evaluated: 2020-03-02. Review status: criteria provided, single submitter. Criteria: ACMG Guidelines, 2015. Collection method: clinical testing. Allele origin: germline. Affected: yes. Observed: 1 variant allele.

Clinical Genetics Service, Universitary Hospital 12 de Octubre
Classification: Likely pathogenic for Hematuria, benign familial, 1. Review status: criteria provided, single submitter. Criteria: ACMG Guidelines, 2015. Collection method: clinical testing. Allele origin: germline. Affected: yes.

Counsyl
Classification: Likely pathogenic for Autosomal recessive Alport syndrome. Last evaluated: 2017-03-17. Review status: no assertion criteria provided. Collection method: clinical testing. Allele origin: unknown. Not counted in ClinVar's aggregate classification.

Literature cited by the submitters: PubMed 24633401 (cited by 5 submitters); PubMed 26628290 (cited by 4 submitters); PubMed 38623282 (cited by Centre de Génétique Humaine, Institut de Pathologie Et de Génétique); PubMed 40282368 (cited by Centre de Génétique Humaine, Institut de Pathologie Et de Génétique); PubMed 35369551 (cited by 3 submitters); PubMed 40044766 (cited by 3billion); PubMed 35419377 (cited by Natera, Inc.); PubMed 40004525 (cited by Natera, Inc.).

NM_000092.5(COL4A4):c.3307G>A (p.Gly1103Arg)

Gene: COL4A4 (collagen type IV alpha 4 chain; minus strand). Cytogenetic location: 2q36.3.
Variant type: single nucleotide variant.
Coding change: c.3307G>A on transcript NM_000092.5 (MANE Select); coding-DNA position 3307, G replaced by A.
Protein change: p.Gly1103Arg; replaces glycine 1103 with arginine.
Molecular consequence: missense variant.
Genome position (GRCh38, 1-based): chr2:227,043,167, C>T on the plus strand (G>A on the coding strand, the complement: COL4A4 is on the minus strand). VCF-style: chr2-227043167-C-T. GRCh37 (hg19) VCF-style: chr2-227907883-C-T.
Other names: p.(Gly1103Arg); short protein forms G1103R.
Identifiers: ClinVar variation 551160 (VCV000551160.17), dbSNP rs749299357, ClinGen allele CA2144563.